The following is an entry in ClinVar:

ClinVar aggregate classification (germline): Likely pathogenic (1 of 4 stars; one submission).

Conditions:
Inborn genetic diseases. Identifiers: MedGen C0950123, MeSH D030342.

Submission:

Ambry Genetics
Classification: Likely pathogenic for Inborn genetic diseases. Last evaluated: 2024-04-18. Review status: criteria provided, single submitter. Criteria: Ambry Variant Classification Scheme 2023. Collection method: clinical testing. Allele origin: germline.
Comment: The c.638C>A (p.P213Q) alteration is located in exon 6 of the SMS gene. This alteration results from a C to A substitution at nucleotide position 638, causing the proline (P) at amino acid position 213 to be replaced by a glutamine (Q). This variant was not reported in population-based cohorts in the Genome Aggregation Database (gnomAD). This amino acid position is highly conserved in available vertebrate species. This alteration is predicted to be deleterious by in silico analysis. Based on the available evidence, this alteration is classified as likely pathogenic.

NM_004595.5(SMS):c.638C>A (p.Pro213Gln)

Gene: SMS (spermine synthase; plus strand). Cytogenetic location: Xp22.11.
Variant type: single nucleotide variant.
Coding change: c.638C>A on transcript NM_004595.5 (MANE Select); coding-DNA position 638, C replaced by A.
Protein change: p.Pro213Gln; replaces proline 213 with glutamine.
Molecular consequence: missense variant.
Genome position (GRCh38, 1-based): chrX:21,978,092, C>A. VCF-style: chrX-21978092-C-A. GRCh37 (hg19) VCF-style: chrX-21996210-C-A.
Other names: c.479C>A, p.Pro160Gln (NM_001258423.2); short protein forms P213Q, P160Q.
Identifiers: ClinVar variation 520793 (VCV000520793.4), dbSNP rs1556001138, ClinGen allele CA412568892.